The following is an entry in ClinVar:

NM_004006.3(DMD):c.3646C>T (p.Leu1216Phe)

Gene: DMD (dystrophin; minus strand). Cytogenetic location: Xp21.1.
Variant type: single nucleotide variant.
Coding change: c.3646C>T on transcript NM_004006.3 (MANE Select); coding-DNA position 3646, C replaced by T.
Protein change: p.Leu1216Phe; replaces leucine 1216 with phenylalanine.
Molecular consequence: missense variant.
Genome position (GRCh38, 1-based): chrX:32,448,596, G>A on the plus strand (C>T on the coding strand, the complement: DMD is on the minus strand). VCF-style: chrX-32448596-G-A. GRCh37 (hg19) VCF-style: chrX-32466713-G-A.
Other names: c.3622C>T, p.Leu1208Phe (NM_000109.4); c.3634C>T, p.Leu1212Phe (NM_004009.3); c.3277C>T, p.Leu1093Phe (NM_004010.3); short protein forms L1093F, L1216F, L1208F, L1212F.
Identifiers: ClinVar variation 3021897 (VCV003021897.3), dbSNP rs2524245741, ClinGen allele CA412662202.
Genomic context (GRCh38, chrX:32,448,596, plus strand): 5'-AGGCCTCTTGTGCTACAGGTGGAGCTTGAGCTATGACACTATTTACAGACTCAGTAAGGA[G>A]TTTCACTTTCGCTTCTTTTTGTTGGGCCTCTTCTTTAGCTCTCTGAAAAATAAAGAATGC-3'
Protein context (NP_003997.2, residues 1206-1226): EAQQKEAKVK[Leu1216Phe]LTESVNSVIA

ClinVar aggregate classification (germline): Uncertain significance (1 of 4 stars; one submission).

Conditions:
Duchenne muscular dystrophy (DMD). Also called: MUSCULAR DYSTROPHY, PSEUDOHYPERTROPHIC PROGRESSIVE, DUCHENNE TYPE; Duchenne Muscular Dystrophy (DMD). Identifiers: Orphanet 98896, MedGen C0013264, MONDO:0010679, OMIM 310200.

Submission:

Labcorp Genetics (formerly Invitae), Labcorp
Classification: Uncertain significance for Duchenne muscular dystrophy. Last evaluated: 2023-07-18. Review status: criteria provided, single submitter. Criteria: Invitae Variant Classification Sherloc (09022015). Collection method: clinical testing. Allele origin: germline.
Comment: This sequence change replaces leucine, which is neutral and non-polar, with phenylalanine, which is neutral and non-polar, at codon 1216 of the DMD protein (p.Leu1216Phe). This variant is not present in population databases (gnomAD no frequency). This variant has not been reported in the literature in individuals affected with DMD-related conditions. Advanced modeling of protein sequence and biophysical properties (such as structural, functional, and spatial information, amino acid conservation, physicochemical variation, residue mobility, and thermodynamic stability) performed at Invitae indicates that this missense variant is not expected to disrupt DMD protein function. In summary, the available evidence is currently insufficient to determine the role of this variant in disease. Therefore, it has been classified as a Variant of Uncertain Significance.